The following is an entry in ClinVar:

NM_004006.3(DMD):c.4918del (p.Thr1640fs)

Gene: DMD (dystrophin; minus strand). Cytogenetic location: Xp21.1.
Variant type: Deletion.
Coding change: c.4918del on transcript NM_004006.3 (MANE Select); coding-DNA position 4918, one base deleted (A; older notation c.4918delA).
Protein change: p.Thr1640fs; shifts the reading frame from threonine 1640.
Molecular consequence: frameshift variant.
Genome position (GRCh38, 1-based): chrX:32,365,127, T deleted on the plus strand (A on the coding strand, the reverse complement: DMD is on the minus strand); the first of 4 consecutive T bases (chrX:32,365,127-32,365,130); deleting any one gives the same sequence. VCF-style (leftmost placement, unchanged base first): chrX-32365126-GT-G. GRCh37 (hg19) VCF-style: chrX-32383243-GT-G.
Other names: c.4894del, p.Thr1632fs (NM_000109.4); c.4906del, p.Thr1636fs (NM_004009.3); c.4549del, p.Thr1517fs (NM_004010.3); c.895del, p.Thr299fs (NM_004011.4); c.886del, p.Thr296fs (NM_004012.4); short protein forms T1636fs, T296fs, T1517fs, T1640fs, T1632fs, T299fs.
Identifiers: ClinVar variation 217200 (VCV000217200.3), dbSNP rs863225000, ClinGen allele CA347484.
Genomic context (GRCh38, chrX:32,365,126, plus strand): 5'-CAGTTACTATTCAGAAGACTGAGTTTATCTTCCACCAACGTCTCCTTCTTGCCCAAAACT[GT>G]TTTCAAGGCCTCTCCTACCTCTGTGATACTCTTCAGGTGCACCTTCTGTTTCTCAATCTC-3'

ClinVar aggregate classification (germline): Pathogenic. Review status: criteria provided, multiple submitters, no conflicts (2 of 4 stars). 2 submissions from 2 submitters: Pathogenic (2). Last evaluated 2024-06-04.

Conditions:
Duchenne muscular dystrophy (DMD). Also called: MUSCULAR DYSTROPHY, PSEUDOHYPERTROPHIC PROGRESSIVE, DUCHENNE TYPE; Duchenne Muscular Dystrophy (DMD). Identifiers: Orphanet 98896, MedGen C0013264, MONDO:0010679, OMIM 310200.

Submissions (2):

Labcorp Genetics (formerly Invitae), Labcorp
Classification: Pathogenic for Duchenne muscular dystrophy. Last evaluated: 2024-06-04. Review status: criteria provided, single submitter. Criteria: Invitae Variant Classification Sherloc (09022015). Collection method: clinical testing. Allele origin: germline.
Comment: This sequence change creates a premature translational stop signal (p.Thr1640Glnfs*17) in the DMD gene. It is expected to result in an absent or disrupted protein product. Loss-of-function variants in DMD are known to be pathogenic (PMID: 16770791, 25007885). This variant is not present in population databases (gnomAD no frequency). This premature translational stop signal has been observed in individual(s) with Duchenne muscular dystrophy (PMID: 10533061). This variant is also known as 5126delA. ClinVar contains an entry for this variant (Variation ID: 217200). Algorithms developed to predict the effect of sequence changes on RNA splicing suggest that this variant may disrupt the consensus splice site. For these reasons, this variant has been classified as Pathogenic.

Athena Diagnostics
Classification: Pathogenic for Duchenne muscular dystrophy. Last evaluated: 2013-03-29. Review status: criteria provided, single submitter. Criteria: Athena Diagnostics Criteria. Collection method: clinical testing. Allele origin: germline. Inheritance: X-linked recessive inheritance.
Comment: X-linked recessive inheritance

Literature cited by the submitters: PubMed 16770791 (cited by Labcorp Genetics (formerly Invitae), Labcorp); PubMed 25007885 (cited by Labcorp Genetics (formerly Invitae), Labcorp); PubMed 10533061 (cited by Labcorp Genetics (formerly Invitae), Labcorp and Athena Diagnostics); PubMed 15351422 (cited by Athena Diagnostics).